The following is an entry in ClinVar:

NM_001105206.3(LAMA4):c.176G>T (p.Arg59Leu)

Genes: LAMA4 (laminin subunit alpha 4; minus strand), LAMA4-AS1 (LAMA4 antisense RNA 1; plus strand). Cytogenetic location: 6q21.
Variant type: single nucleotide variant.
Coding change: c.176G>T on transcript NM_001105206.3 (MANE Select); coding-DNA position 176, G replaced by T.
Protein change: p.Arg59Leu; replaces arginine 59 with leucine.
Molecular consequence: missense variant.
Genome position (GRCh38, 1-based): chr6:112,253,975, C>A on the plus strand (G>T on the coding strand, the complement: LAMA4 is on the minus strand). VCF-style: chr6-112253975-C-A. GRCh37 (hg19) VCF-style: chr6-112575177-C-A.
Other names: c.176G>T, p.Arg59Leu (NM_001105207.3, NM_001105208.3, NM_001105209.3 and 1 more transcripts); short protein forms R59L.
Identifiers: ClinVar variation 4096198 (VCV004096198.1).

ClinVar aggregate classification (germline): Uncertain significance (1 of 4 stars; one submission).

Conditions:
Cardiovascular phenotype. Identifiers: MedGen CN230736.

gnomAD v4.1: 8 of 1,588,274 alleles (0.0005%); highest among the groups gnomAD compares: African/African-American, 0.0013%; no homozygotes.

Submission:

Ambry Genetics
Classification: Uncertain significance for Cardiovascular phenotype. Last evaluated: 2025-07-09. Review status: criteria provided, single submitter. Criteria: Ambry Variant Classification Scheme 2023. Collection method: clinical testing. Allele origin: germline.
Comment: The p.R59L variant (also known as c.176G>T), located in coding exon 1 of the LAMA4 gene, results from a G to T substitution at nucleotide position 176. The arginine at codon 59 is replaced by leucine, an amino acid with dissimilar properties. This amino acid position is conserved. In addition, this alteration is predicted to be tolerated by in silico analysis. Based on the available evidence, the clinical significance of this variant remains unclear.